The following is an entry in ClinVar:

NM_020754.4(ARHGAP31):c.511G>A (p.Ala171Thr)

Gene: ARHGAP31 (Rho GTPase activating protein 31; plus strand). Cytogenetic location: 3q13.33.
Variant type: single nucleotide variant.
Coding change: c.511G>A on transcript NM_020754.4 (MANE Select); coding-DNA position 511, G replaced by A.
Protein change: p.Ala171Thr; replaces alanine 171 with threonine.
Molecular consequence: missense variant.
Genome position (GRCh38, 1-based): chr3:119,382,371, G>A. VCF-style: chr3-119382371-G-A. GRCh37 (hg19) VCF-style: chr3-119101218-G-A.
Other names: short protein forms A171T.
Identifiers: ClinVar variation 4075724 (VCV004075724.1).

ClinVar aggregate classification (germline): Uncertain significance (1 of 4 stars; one submission).

Submission:

GeneDx
Classification: Uncertain significance. Last evaluated: 2025-02-18. Review status: criteria provided, single submitter. Criteria: GeneDx Variant Classification Process June 2021. Collection method: clinical testing. Allele origin: germline. Affected: yes.
Comment: Not observed at significant frequency in large population cohorts (gnomAD); In silico analysis supports that this missense variant has a deleterious effect on protein structure/function; Has not been previously published as pathogenic or benign to our knowledge